The following is an entry in ClinVar:

ClinVar aggregate classification (germline): Likely benign (1 of 4 stars; one submission).

Allele frequency attached by ClinVar (database versions not stated): gnomAD exomes below 0.00001; TOPMed 0.00002.
gnomAD v4.1: 3 of 1,614,178 alleles (0.00019%); highest among the groups gnomAD compares: Non-Finnish European, 0.00017%; no homozygotes.

Submission:

GeneDx
Classification: Likely benign. Last evaluated: 2019-12-03. Review status: criteria provided, single submitter. Criteria: GeneDx Variant Classification Process June 2021. Collection method: clinical testing. Allele origin: germline. Affected: yes.
Comment: In silico analysis, which includes protein predictors and evolutionary conservation, supports that this variant does not alter protein structure/function

NM_021224.6(ZNF462):c.1946C>T (p.Pro649Leu)

Gene: ZNF462 (zinc finger protein 462; plus strand). Cytogenetic location: 9q31.2.
Variant type: single nucleotide variant.
Coding change: c.1946C>T on transcript NM_021224.6 (MANE Select); coding-DNA position 1946, C replaced by T.
Protein change: p.Pro649Leu; replaces proline 649 with leucine.
Molecular consequence: missense variant.
Genome position (GRCh38, 1-based): chr9:106,925,858, C>T. VCF-style: chr9-106925858-C-T. GRCh37 (hg19) VCF-style: chr9-109688139-C-T.
Other names: c.1946C>T, p.Pro649Leu (NM_001347997.2); short protein forms P649L.
Identifiers: ClinVar variation 1200251 (VCV001200251.3), dbSNP rs1045510089, ClinGen allele CA197489135.
Genomic context (GRCh38, chr9:106,925,858, plus strand): 5'-TGCCAAAATTCGAGGGGCAGCCCTCAAGCCTACCATTGGAAAATGAGACAGACAGCCACC[C>T]CTCTTCCAGCAACACTGTGAAGAAAAGTCAGACCTCAATTCTTGGGTTGTCCTCCAAGAA-3'
Protein context (NP_067047.4, residues 639-659): LPLENETDSH[Pro649Leu]SSSNTVKKSQ